The following is an entry in ClinVar:

NM_001193315.2(VIPAS39):c.907A>G (p.Ile303Val)

Gene: VIPAS39 (VPS33B interacting protein, apical-basolateral polarity regulator, spe-39 homolog; minus strand). Cytogenetic location: 14q24.3.
Variant type: single nucleotide variant.
Coding change: c.907A>G on transcript NM_001193315.2 (MANE Select); coding-DNA position 907, A replaced by G.
Protein change: p.Ile303Val; replaces isoleucine 303 with valine.
Molecular consequence: missense variant. On other transcripts: non-coding transcript variant (1), intron variant (1).
Genome position (GRCh38, 1-based): chr14:77,435,849, T>C on the plus strand (A>G on the coding strand, the complement: VIPAS39 is on the minus strand). VCF-style: chr14-77435849-T-C. GRCh37 (hg19) VCF-style: chr14-77902192-T-C.
Other names: p.Ile303Val; c.907A>G, p.Ile303Val (NM_001193314.2, NM_001193317.2, NM_001400326.1 and 6 more transcripts); c.760A>G, p.Ile254Val (NM_001193316.2, NM_001400324.1, NM_001400325.1); c.874A>G, p.Ile292Val (NM_001400327.1); c.814A>G, p.Ile272Val (NM_001400333.1, NM_001400334.1); c.667A>G, p.Ile223Val (NM_001400337.1); c.805A>G, p.Ile269Val (NM_001400338.1); c.763-1546A>G (NM_001400339.1); and 1 more; short protein forms I292V, I223V, I254V, I272V, I269V, I303V.
Identifiers: ClinVar variation 2177721 (VCV002177721.4), dbSNP rs760795319, ClinGen allele CA263838110.

ClinVar aggregate classification (germline): Conflicting classifications of pathogenicity. Review status: criteria provided, conflicting classifications (1 of 4 stars). 5 submissions from 5 submitters: Uncertain significance (3); Likely benign (1). 1 of the submissions does not count toward it. Last evaluated 2024-11-24.

Conditions:
VIPAS39-related disorder. Also called: VIPAS39-related condition.
Inborn genetic diseases. Identifiers: MedGen C0950123, MeSH D030342.
Arthrogryposis, renal dysfunction, and cholestasis 2 (ARCS2). Identifiers: Orphanet 2697, MedGen C3150672, MONDO:0013255, OMIM 613404.

Allele frequency attached by ClinVar (database versions not stated): TOPMed below 0.00001; gnomAD 0.00001; gnomAD exomes 0.00002.
gnomAD v4.1: 34 of 1,614,052 alleles (0.0021%); highest among the groups gnomAD compares: Middle Eastern, 0.38%; no homozygotes.

Submissions (5):

Ambry Genetics
Classification: Uncertain significance for Inborn genetic diseases. Last evaluated: 2024-11-24. Review status: criteria provided, single submitter. Criteria: Ambry Variant Classification Scheme 2023. Collection method: clinical testing. Allele origin: germline.

3billion
Classification: Likely benign for Arthrogryposis, renal dysfunction, and cholestasis 2. Last evaluated: 2024-09-20. Review status: criteria provided, single submitter. Criteria: ACMG Guidelines, 2015. Collection method: clinical testing. Allele origin: germline. Affected: no.
Comment: The homozygous variant was found in patients diagnosed with another variant in a different gene, with no symptoms related to the gene containing the homozygous variant.

Mayo Clinic Laboratories, Mayo Clinic
Classification: Uncertain significance. Last evaluated: 2024-04-24. Review status: criteria provided, single submitter. Criteria: ACMG Guidelines, 2015. Collection method: clinical testing. Allele origin: germline. Observed: 1 variant allele.
Comment: BP4, PM1_supporting, PM2_moderate

Labcorp Genetics (formerly Invitae), Labcorp
Classification: Uncertain significance. Last evaluated: 2022-05-19. Review status: criteria provided, single submitter. Criteria: Invitae Variant Classification Sherloc (09022015). Collection method: clinical testing. Allele origin: germline.
Comment: This sequence change replaces isoleucine, which is neutral and non-polar, with valine, which is neutral and non-polar, at codon 303 of the VIPAS39 protein (p.Ile303Val). This variant is not present in population databases (gnomAD no frequency). This variant has not been reported in the literature in individuals affected with VIPAS39-related conditions. Algorithms developed to predict the effect of missense changes on protein structure and function (SIFT, PolyPhen-2, Align-GVGD) all suggest that this variant is likely to be tolerated. In summary, the available evidence is currently insufficient to determine the role of this variant in disease. Therefore, it has been classified as a Variant of Uncertain Significance.

PreventionGenetics, part of Exact Sciences
Classification: Uncertain significance for VIPAS39-related condition. Last evaluated: 2024-04-17. Review status: no assertion criteria provided. Collection method: clinical testing. Allele origin: germline. Not counted in ClinVar's aggregate classification.
Comment: The VIPAS39 c.907A>G variant is predicted to result in the amino acid substitution p.Ile303Val. To our knowledge, this variant has not been reported in the literature or in a large population database, indicating this variant is rare. At this time, the clinical significance of this variant is uncertain due to the absence of conclusive functional and genetic evidence.